The following is an entry in ClinVar:

NM_004385.5(VCAN):c.7868A>G (p.Tyr2623Cys)

Genes: VCAN (versican; plus strand), VCAN-AS1 (VCAN antisense RNA 1; minus strand). Cytogenetic location: 5q14.3.
Variant type: single nucleotide variant.
Coding change: c.7868A>G on transcript NM_004385.5 (MANE Select); coding-DNA position 7868, A replaced by G.
Protein change: p.Tyr2623Cys; replaces tyrosine 2623 with cysteine.
Molecular consequence: missense variant. On other transcripts: intron variant (2).
Genome position (GRCh38, 1-based): chr5:83,540,871, A>G. VCF-style: chr5-83540871-A-G. GRCh37 (hg19) VCF-style: chr5-82836690-A-G.
Other names: c.7868A>G (NM_004385.4); c.4907A>G, p.Tyr1636Cys (NM_001164097.2); c.4004-4666A>G (NM_001164098.2); c.1043-4666A>G (NM_001126336.3); short protein forms Y1636C, Y2623C.
Identifiers: ClinVar variation 1449098 (VCV001449098.12), dbSNP rs141356119, ClinGen allele CA3333702.

ClinVar aggregate classification (germline): Conflicting classifications of pathogenicity. Review status: criteria provided, conflicting classifications (1 of 4 stars). 4 submissions from 4 submitters: Uncertain significance (3); Likely benign (1). Last evaluated 2025-12-16.

Conditions:
Inborn genetic diseases. Identifiers: MedGen C0950123, MeSH D030342.

Allele frequency attached by ClinVar (database versions not stated): gnomAD exomes 0.00002 and 0.00005; ExAC 0.00003; gnomAD 0.00004 and 0.00005; TOPMed 0.00004; ESP Exome Variant Server 0.00015; 1000 Genomes Project 30x 0.00016; 1000 Genomes Project 0.00020.
gnomAD v4.1: 79 of 1,614,018 alleles (0.0049%); highest among the groups gnomAD compares: Middle Eastern, 0.049%; no homozygotes.

Submissions (4):

Ambry Genetics
Classification: Uncertain significance for Inborn genetic diseases. Last evaluated: 2025-12-16. Review status: criteria provided, single submitter. Criteria: Ambry Variant Classification Scheme 2023. Collection method: clinical testing. Allele origin: germline.

Labcorp Genetics (formerly Invitae), Labcorp
Classification: Uncertain significance. Last evaluated: 2025-02-20. Review status: criteria provided, single submitter. Criteria: Invitae Variant Classification Sherloc (09022015). Collection method: clinical testing. Allele origin: germline.
Comment: This sequence change replaces tyrosine, which is neutral and polar, with cysteine, which is neutral and slightly polar, at codon 2623 of the VCAN protein (p.Tyr2623Cys). This variant is present in population databases (rs141356119, gnomAD 0.006%). This variant has not been reported in the literature in individuals affected with VCAN-related conditions. ClinVar contains an entry for this variant (Variation ID: 1449098). An algorithm developed to predict the effect of missense changes on protein structure and function (PolyPhen-2) suggests that this variant is likely to be disruptive. In summary, the available evidence is currently insufficient to determine the role of this variant in disease. Therefore, it has been classified as a Variant of Uncertain Significance.

Blueprint Genetics
Classification: Likely benign. Last evaluated: 2024-03-15. Review status: criteria provided, single submitter. Criteria: ACMG Guidelines, 2015. Collection method: clinical testing. Allele origin: germline.

Breakthrough Genomics
Classification: Uncertain significance. Review status: criteria provided, single submitter. Criteria: ACMG Guidelines, 2015. Collection method: not provided. Allele origin: germline. Inheritance: Autosomal dominant inheritance. Affected: yes.